The following is an entry in ClinVar:

NM_001267550.2(TTN):c.14474A>C (p.Glu4825Ala)

Gene: TTN (titin; minus strand). Cytogenetic location: 2q31.2.
Variant type: single nucleotide variant.
Coding change: c.14474A>C on transcript NM_001267550.2 (MANE Select); coding-DNA position 14474, A replaced by C.
Protein change: p.Glu4825Ala; replaces glutamic acid 4825 with alanine.
Molecular consequence: missense variant. On other transcripts: intron variant (3).
Genome position (GRCh38, 1-based): chr2:178,735,972, T>G on the plus strand (A>C on the coding strand, the complement: TTN is on the minus strand). VCF-style: chr2-178735972-T-G. GRCh37 (hg19) VCF-style: chr2-179600699-T-G.
Other names: c.13523A>C, p.Glu4508Ala (NM_001256850.1); c.10742A>C, p.Glu3581Ala (NM_133378.4); c.13282+2110A>C (NM_003319.4); c.13858+2110A>C (NM_133437.4); c.13657+2110A>C (NM_133432.3); short protein forms E3581A, E4508A, E4825A.
Identifiers: ClinVar variation 3600811 (VCV003600811.1).

ClinVar aggregate classification (germline): Uncertain significance (1 of 4 stars; one submission).

gnomAD v4.1: 1 of 1,613,864 alleles (0.000062%); highest among the groups gnomAD compares: Admixed American, 0.0017%; no homozygotes.

Submission:

GeneDx
Classification: Uncertain significance. Last evaluated: 2024-07-24. Review status: criteria provided, single submitter. Criteria: GeneDx Variant Classification Process June 2021. Collection method: clinical testing. Allele origin: germline. Affected: yes.
Comment: Not observed at significant frequency in large population cohorts (gnomAD); Missense variant in a gene in which most reported pathogenic variants are truncating/loss of function; Has not been previously published as pathogenic or benign to our knowledge